The following is an entry in ClinVar:

NM_004820.5(CYP7B1):c.271A>G (p.Thr91Ala)

Gene: CYP7B1 (cytochrome P450 family 7 subfamily B member 1; minus strand). Cytogenetic location: 8q12.3.
Variant type: single nucleotide variant.
Coding change: c.271A>G on transcript NM_004820.5 (MANE Select); coding-DNA position 271, A replaced by G.
Protein change: p.Thr91Ala; replaces threonine 91 with alanine.
Molecular consequence: missense variant.
Genome position (GRCh38, 1-based): chr8:64,616,270, T>C on the plus strand (A>G on the coding strand, the complement: CYP7B1 is on the minus strand). VCF-style: chr8-64616270-T-C. GRCh37 (hg19) VCF-style: chr8-65528827-T-C.
Other names: c.271A>G, p.Thr91Ala (NM_001324112.2); short protein forms T91A.
Identifiers: ClinVar variation 1446543 (VCV001446543.6), dbSNP rs1805446410, ClinGen allele CA371336511.
Genomic context (GRCh38, chr8:64,616,270, plus strand): 5'-AGCTTAATTGTTTATGATTTTTTATCACTAGCTGGTACTGGAAGGGGTCCAGGATAAATG[T>C]TATGTACTTTCCTAGAAAAAAAAAAAGAGAGAGAAAATATGAGTTCGTTTGTTAATAAAA-3'
Protein context (NP_004811.1, residues 81-101): FTVLLGGKYI[Thr91Ala]FILDPFQYQL

ClinVar aggregate classification (germline): Uncertain significance (1 of 4 stars; one submission).

Conditions:
Spastic paraplegia. Identifiers: MedGen C0037772, HP:0001258.

Allele frequency attached by ClinVar (database versions not stated): gnomAD exomes below 0.00001; TOPMed below 0.00001.
gnomAD v4.1: 4 of 1,589,420 alleles (0.00025%); highest among the groups gnomAD compares: Non-Finnish European, 0.00034%; no homozygotes.

Submission:

Labcorp Genetics (formerly Invitae), Labcorp
Classification: Uncertain significance for Spastic paraplegia. Last evaluated: 2021-11-24. Review status: criteria provided, single submitter. Criteria: Invitae Variant Classification Sherloc (09022015). Collection method: clinical testing. Allele origin: germline.
Comment: This sequence change replaces threonine, which is neutral and polar, with alanine, which is neutral and non-polar, at codon 91 of the CYP7B1 protein (p.Thr91Ala). In summary, the available evidence is currently insufficient to determine the role of this variant in disease. Therefore, it has been classified as a Variant of Uncertain Significance. Algorithms developed to predict the effect of missense changes on protein structure and function (SIFT, PolyPhen-2, Align-GVGD) all suggest that this variant is likely to be disruptive. This variant has not been reported in the literature in individuals affected with CYP7B1-related conditions. This variant is not present in population databases (gnomAD no frequency).